The following is an entry in ClinVar:

ClinVar aggregate classification (germline): Conflicting classifications of pathogenicity. Review status: criteria provided, conflicting classifications (1 of 4 stars). 5 submissions from 5 submitters: Uncertain significance (1); Benign (2); Likely benign (2). Last evaluated 2026-02-04.

Conditions:
Xeroderma pigmentosum, group D (XPD). Also called: ERCC2-Related Xeroderma Pigmentosum; XERODERMA PIGMENTOSUM, COMPLEMENTATION GROUP D; XERODERMA PIGMENTOSUM IV; XP, GROUP D; XP, GROUP H. Identifiers: MedGen C0268138, MONDO:0010212, OMIM 278730.
Trichothiodystrophy 1, photosensitive (TTD1). Also called: TAY SYNDROME; TRICHOTHIODYSTROPHY WITH CONGENITAL ICHTHYOSIS; PIBIDS SYNDROME. Identifiers: Orphanet 33364, MedGen C1866504, MONDO:0011125, OMIM 601675.
Xeroderma pigmentosum (XP). Identifiers: Orphanet 910, MedGen C0043346, MONDO:0019600.

Allele frequency attached by ClinVar (database versions not stated): gnomAD exomes 0.00044; ExAC 0.00057; ESP Exome Variant Server 0.00131; gnomAD 0.00139 and 0.00143; TOPMed 0.00178; 1000 Genomes Project 0.00300; 1000 Genomes Project 30x 0.00406.

Submissions (5):

Labcorp Genetics (formerly Invitae), Labcorp
Classification: Benign. Last evaluated: 2026-02-04. Review status: criteria provided, single submitter. Criteria: Invitae Variant Classification Sherloc (09022015). Collection method: clinical testing. Allele origin: germline.

Blueprint Genetics
Classification: Likely benign. Last evaluated: 2024-11-14. Review status: criteria provided, single submitter. Criteria: ACMG Guidelines, 2015. Collection method: clinical testing. Allele origin: germline.

Sema4
Classification: Benign for Xeroderma pigmentosum. Last evaluated: 2020-11-30. Review status: criteria provided, single submitter. Criteria: Sema4 Curation Guidelines. Collection method: curation. Allele origin: germline.

Baylor Genetics
Classification: Uncertain significance for Trichothiodystrophy 1, photosensitive. Last evaluated: 2019-04-15. Review status: criteria provided, single submitter. Criteria: ACMG Guidelines, 2015. Collection method: clinical testing. Allele origin: unknown. Affected: yes. Study: CSER-TexasKidsCanSeq.
Comment: This variant was determined to be of uncertain significance according to ACMG Guidelines, 2015 [PMID:25741868].

Illumina Laboratory Services, Illumina
Classification: Likely benign for Xeroderma pigmentosum, group D. Last evaluated: 2018-01-12. Review status: criteria provided, single submitter. Criteria: ICSL Variant Classification Criteria 13 December 2019. Collection method: clinical testing. Allele origin: germline.
Comment: This variant was observed in the ICSL laboratory as part of a predisposition screen in an ostensibly healthy population. It had not been previously curated by ICSL or reported in the Human Gene Mutation Database (HGMD: prior to June 1st, 2018), and was therefore a candidate for classification through an automated scoring system. Utilizing variant allele frequency, disease prevalence and penetrance estimates, and inheritance mode, an automated score was calculated to assess if this variant is too frequent to cause the disease. Based on the score and internal cut-off values, a variant classified as likely benign is not then subjected to further curation. The score for this variant resulted in a classification of likely benign for this disease.

NM_000400.4(ERCC2):c.2191-4G>A

Gene: ERCC2 (ERCC excision repair 2, TFIIH core complex helicase subunit; minus strand). Cytogenetic location: 19q13.32.
Variant type: single nucleotide variant.
Coding change: c.2191-4G>A on transcript NM_000400.4 (MANE Select); 4 bases into the intron before coding-DNA position 2191, G replaced by A.
Molecular consequence: intron variant.
Genome position (GRCh38, 1-based): chr19:45,351,725, C>T on the plus strand (G>A on the coding strand, the complement: ERCC2 is on the minus strand). VCF-style: chr19-45351725-C-T. GRCh37 (hg19) VCF-style: chr19-45854983-C-T.
Identifiers: ClinVar variation 785627 (VCV000785627.17), dbSNP rs201840907, ClinGen allele CA9512820.
Genomic context (GRCh38, chr19:45,351,725, plus strand): 5'-CGTCTCCTCTGATTCTAGCTGCTCCAGGCTGAGCAGGGACAGGCCCAGCTGATCCTCCTG[C>T]AGAGAACAGAGGAAAGGGAGAGGGGGGCACTGTTGGGCAGGGGCCCAGGCAGCTGCTGCA-3'